The following is an entry in ClinVar:

NM_018255.4(ELP2):c.174C>T (p.Thr58=)

Gene: ELP2 (elongator acetyltransferase complex subunit 2; plus strand). Cytogenetic location: 18q12.2.
Variant type: single nucleotide variant.
Coding change: c.174C>T on transcript NM_018255.4 (MANE Select); coding-DNA position 174, C replaced by T.
Protein change: p.Thr58=; no amino-acid change (threonine 58 retained).
Molecular consequence: synonymous variant. On other transcripts: non-coding transcript variant (4), intron variant (1).
Genome position (GRCh38, 1-based): chr18:36,133,273, C>T. VCF-style: chr18-36133273-C-T. GRCh37 (hg19) VCF-style: chr18-33713236-C-T.
Other names: c.174C>T, p.Thr58= (NM_001242875.3, NM_001242876.3, NM_001242877.3 and 5 more transcripts); c.-230-3034C>T (NM_001324468.2).
Identifiers: ClinVar variation 3035545 (VCV003035545.2), dbSNP rs150889303, ClinGen allele CA8939506.

ClinVar aggregate classification (germline): Likely benign (0 of 4 stars; one submission).

Conditions:
ELP2-related disorder. Also called: ELP2-Related Disorders; ELP2-related condition.

Allele frequency attached by ClinVar (database versions not stated): TOPMed 0.00002; gnomAD 0.00004; gnomAD exomes 0.00005; ESP Exome Variant Server 0.00008; ExAC 0.00013.
gnomAD v4.1: 80 of 1,613,716 alleles (0.005%); highest among the groups gnomAD compares: South Asian, 0.053%; 1 homozygote.

Submission:

PreventionGenetics, part of Exact Sciences
Classification: Likely benign for ELP2-related condition. Last evaluated: 2019-08-12. Review status: no assertion criteria provided. Collection method: clinical testing. Allele origin: germline.
Comment: This variant is classified as likely benign based on ACMG/AMP sequence variant interpretation guidelines (Richards et al. 2015 PMID: 25741868, with internal and published modifications).